The following is an entry in ClinVar:

NM_004656.4(BAP1):c.1730-2A>G

Gene: BAP1 (BRCA1 associated deubiquitinase 1; minus strand). Cytogenetic location: 3p21.1.
Variant type: single nucleotide variant.
Coding change: c.1730-2A>G on transcript NM_004656.4 (MANE Select); the canonical splice acceptor site of the intron before coding-DNA position 1730, A replaced by G.
Molecular consequence: splice acceptor variant.
Genome position (GRCh38, 1-based): chr3:52,403,300, T>C on the plus strand (A>G on the coding strand, the complement: BAP1 is on the minus strand). VCF-style: chr3-52403300-T-C. GRCh37 (hg19) VCF-style: chr3-52437316-T-C.
Other names: c.1676-2A>G (NM_001410772.1).
Identifiers: ClinVar variation 1068233 (VCV001068233.7), dbSNP rs2153226523, ClinGen allele CA353099405.
Genomic context (GRCh38, chr3:52,403,300, plus strand): 5'-GCTGGACCCCTGGCTGCCTTGGATTGGTCTGATGGAGGGCGAGGAACCCTTCCCACCCTC[T>C]GGGAAGAGAGGTCACAAGAAAATCATCAGAGTGCAGGACACTTTGTGGTCACTTGGCCAC-3'

ClinVar aggregate classification (germline): Pathogenic/Likely pathogenic. Review status: criteria provided, multiple submitters, no conflicts (2 of 4 stars). 2 submissions from 2 submitters: Pathogenic (1); Likely pathogenic (1). Last evaluated 2024-08-01.

Conditions:
Hereditary cancer-predisposing syndrome. Also called: Hereditary neoplastic syndrome; Tumor predisposition; Hereditary Cancer Syndrome; Neoplastic Syndromes, Hereditary. Identifiers: Orphanet 140162, MedGen C0027672, MeSH D009386, MONDO:0015356.
BAP1-related tumor predisposition syndrome (TPDS1). Also called: COMMON Syndrome; TUMOR PREDISPOSITION SYNDROME 1; Tumor susceptibility linked to germline BAP1 mutations; BAP1 tumor predisposition syndrome. Identifiers: Orphanet 289539, MedGen C3280492, MONDO:0013692, OMIM 614327.

Submissions (2):

Labcorp Genetics (formerly Invitae), Labcorp
Classification: Pathogenic for BAP1-related tumor predisposition syndrome. Last evaluated: 2024-08-01. Review status: criteria provided, single submitter. Criteria: Invitae Variant Classification Sherloc (09022015). Collection method: clinical testing. Allele origin: germline.
Comment: This sequence change affects an acceptor splice site in intron 13 of the BAP1 gene. It is expected to disrupt RNA splicing. Variants that disrupt the donor or acceptor splice site typically lead to a loss of protein function (PMID: 16199547), and loss-of-function variants in BAP1 are known to be pathogenic (PMID: 21874000, 23684012). This variant is not present in population databases (gnomAD no frequency). Disruption of this splice site has been observed in individuals with BAP1-related conditions (Invitae). ClinVar contains an entry for this variant (Variation ID: 1068233). Algorithms developed to predict the effect of sequence changes on RNA splicing suggest that this variant may disrupt the consensus splice site. For these reasons, this variant has been classified as Pathogenic.

Ambry Genetics
Classification: Likely pathogenic for Hereditary cancer-predisposing syndrome. Last evaluated: 2022-09-08. Review status: criteria provided, single submitter. Criteria: Ambry Variant Classification Scheme 2023. Collection method: clinical testing. Allele origin: germline.
Comment: The c.1730-2A>G intronic variant results from an A to G substitution two nucleotides upstream from coding exon 14 in the BAP1 gene. This nucleotide position is highly conserved in available vertebrate species. In silico splice site analysis predicts that this alteration will weaken the native splice acceptor site and will result in the creation or strengthening of a novel splice acceptor site; however, direct evidence is insufficient at this time (Ambry internal data). Alterations that disrupt the canonical splice site are expected to cause aberrant splicing, resulting in an abnormal protein or a transcript that is subject to nonsense-mediated mRNA decay. As such, this alteration is classified as likely pathogenic.

Literature cited by the submitters: PubMed 16199547 (cited by Labcorp Genetics (formerly Invitae), Labcorp); PubMed 21874000 (cited by Labcorp Genetics (formerly Invitae), Labcorp); PubMed 23684012 (cited by Labcorp Genetics (formerly Invitae), Labcorp).